The following is an entry in ClinVar:

NM_001378454.1(ALMS1):c.7199G>A (p.Gly2400Glu)

Gene: ALMS1 (ALMS1 centrosome and basal body associated protein; plus strand). Cytogenetic location: 2p13.1.
Variant type: single nucleotide variant.
Coding change: c.7199G>A on transcript NM_001378454.1 (MANE Select); coding-DNA position 7199, G replaced by A.
Protein change: p.Gly2400Glu; replaces glycine 2400 with glutamic acid.
Molecular consequence: missense variant.
Genome position (GRCh38, 1-based): chr2:73,453,726, G>A. VCF-style: chr2-73453726-G-A. GRCh37 (hg19) VCF-style: chr2-73680853-G-A.
Other names: c.7202G>A, p.Gly2401Glu (NM_015120.4); short protein forms G2401E, G2400E.
Identifiers: ClinVar variation 429964 (VCV000429964.16), dbSNP rs373985919, ClinGen allele CA1714195.

ClinVar aggregate classification (germline): Uncertain significance. Review status: criteria provided, multiple submitters, no conflicts (2 of 4 stars). 7 submissions from 7 submitters: Uncertain significance (6). 1 of the submissions does not count toward it. Last evaluated 2026-10-06.

Conditions:
Alstrom syndrome (ALMS). Identifiers: Orphanet 64, MedGen C0268425, MONDO:0008763, OMIM 203800.
Cardiovascular phenotype. Identifiers: MedGen CN230736.

Allele frequency attached by ClinVar (database versions not stated): gnomAD 0.00005 and 0.00004; ESP Exome Variant Server 0.00008; TOPMed 0.00007; gnomAD exomes 0.00007 and 0.00006; ExAC 0.00007.
gnomAD v4.1: 99 of 1,613,902 alleles (0.0061%); highest among the groups gnomAD compares: Admixed American, 0.033%; no homozygotes.

Submissions (7):

GeneDx
Classification: Uncertain significance. Last evaluated: 2026-10-06. Review status: criteria provided, single submitter. Criteria: GeneDx Variant Classification Process June 2021. Collection method: clinical testing. Allele origin: germline.
Comment: Reported in one individual from a cohort of individuals with unexplained cardiac arrest; however, additional clinical information was not provided (PMID: 35352813); In silico analysis supports that this missense variant has a deleterious effect on protein structure/function; This variant is associated with the following publications: (PMID: 35352813)

Ambry Genetics
Classification: Uncertain significance for Cardiovascular phenotype. Last evaluated: 2025-02-05. Review status: criteria provided, single submitter. Criteria: Ambry Variant Classification Scheme 2023. Collection method: clinical testing. Allele origin: germline.
Comment: The p.G2401E variant (also known as c.7202G>A), located in coding exon 8 of the ALMS1 gene, results from a G to A substitution at nucleotide position 7202. The glycine at codon 2401 is replaced by glutamic acid, an amino acid with similar properties. This variant has been reported in an unexplained cardiac arrest cohort (Grondin S et al. Eur Heart J, 2022 Aug;43:3071-3081). This amino acid position is well conserved in available vertebrate species. In addition, this alteration is predicted to be tolerated by in silico analysis. Based on the available evidence, the clinical significance of this variant remains unclear.

Labcorp Genetics (formerly Invitae), Labcorp
Classification: Uncertain significance for Alstrom syndrome. Last evaluated: 2025-01-06. Review status: criteria provided, single submitter. Criteria: Invitae Variant Classification Sherloc (09022015). Collection method: clinical testing. Allele origin: germline.
Comment: This sequence change replaces glycine, which is neutral and non-polar, with glutamic acid, which is acidic and polar, at codon 2401 of the ALMS1 protein (p.Gly2401Glu). This variant is present in population databases (rs373985919, gnomAD 0.02%). This variant has not been reported in the literature in individuals affected with ALMS1-related conditions. ClinVar contains an entry for this variant (Variation ID: 429964). An algorithm developed to predict the effect of missense changes on protein structure and function outputs the following: PolyPhen-2: "Not Available". The glutamic acid amino acid residue is found in multiple mammalian species, which suggests that this missense change does not adversely affect protein function. In summary, the available evidence is currently insufficient to determine the role of this variant in disease. Therefore, it has been classified as a Variant of Uncertain Significance.

Women's Health and Genetics/Laboratory Corporation of America, LabCorp
Classification: Uncertain significance. Last evaluated: 2024-11-18. Review status: criteria provided, single submitter. Criteria: LabCorp Variant Classification Summary - May 2015. Collection method: clinical testing. Allele origin: germline.
Comment: Variant summary: ALMS1 c.7196G>A (p.Gly2399Glu) results in a non-conservative amino acid change in the encoded protein sequence. Three of four in-silico tools predict a damaging effect of the variant on protein function. The variant allele was found at a frequency of 6.8e-05 in 249350 control chromosomes. This frequency is not significantly higher than estimated for a pathogenic variant in ALMS1 causing Alstrom Syndrome With Dilated Cardiomyopathy (6.8e-05 vs 0.0018), allowing no conclusion about variant significance. c.7196G>A has been reported in the literature in one individual affected with unexplained cardiac arrest, without strong evidence for causality (Grondin_2022). These report(s) do not provide unequivocal conclusions about association of the variant with Alstrom Syndrome With Dilated Cardiomyopathy. To our knowledge, no experimental evidence demonstrating an impact on protein function has been reported. The following publication has been ascertained in the context of this evaluation (PMID: 35352813). ClinVar contains an entry for this variant (Variation ID: 429964). Based on the evidence outlined above, the variant was classified as uncertain significance.

Blueprint Genetics
Classification: Uncertain significance. Last evaluated: 2024-03-04. Review status: criteria provided, single submitter. Criteria: ACMG Guidelines, 2015. Collection method: clinical testing. Allele origin: germline.

Fulgent Genetics
Classification: Uncertain significance for Alstrom syndrome. Last evaluated: 2022-03-30. Review status: criteria provided, single submitter. Criteria: ACMG Guidelines, 2015. Collection method: clinical testing. Allele origin: unknown.

Natera, Inc.
Classification: Uncertain significance for Alstrom syndrome. Last evaluated: 2020-01-24. Review status: no assertion criteria provided. Collection method: clinical testing. Allele origin: germline. Not counted in ClinVar's aggregate classification.

Literature cited by the submitters: PubMed 35352813 (cited by Ambry Genetics and Women's Health and Genetics/Laboratory Corporation of America, LabCorp).